The following is an entry in ClinVar:

ClinVar aggregate classification (germline): Uncertain significance (1 of 4 stars; one submission).

Conditions:
Fabry disease. Also called: Fabry's disease; ALPHA-GALACTOSIDASE A DEFICIENCY; ANDERSON-FABRY DISEASE; CERAMIDE TRIHEXOSIDASE DEFICIENCY; GLA DEFICIENCY; HEREDITARY DYSTOPIC LIPIDOSIS. Identifiers: Orphanet 324, MedGen C0002986, MONDO:0010526, OMIM 301500, HP:0001071. Disease mechanism: Fabry disease is due to inactivating mutations in the X-linked GLA gene resulting in deficiency of the enzyme Alpha Galactosidase-A., loss of function.

Submission:

Genomenon, Inc
Classification: Uncertain significance for Fabry disease. Last evaluated: 2026-09-08. Review status: criteria provided, single submitter. Criteria: Genomenon Sequence Variant Interpretation Standards - Updated. Collection method: curation. Allele origin: germline. Affected: yes.
Comment: GLA p.Ser23Ala (c.67T>G) is a missense variant that changes the amino acid at codon 23 from Serine to Alanine. This variant has been observed in at least one proband with clinical features consistent with Fabry disease (PMID:27825144). It is absent or not present at a significant frequency in gnomAD. In silico models predict that this variant is not damaging. In conclusion, we classify GLA p.Ser23Ala (c.67T>G) as a variant of uncertain significance.

Literature cited by the submitters: PubMed 27825144.

NM_000169.3(GLA):c.67T>G (p.Ser23Ala)

Genes: GLA (galactosidase alpha; minus strand), RPL36A-HNRNPH2 (RPL36A-HNRNPH2 readthrough; plus strand). Cytogenetic location: Xq22.1.
Variant type: single nucleotide variant.
Coding change: c.67T>G on transcript NM_000169.3 (MANE Select); coding-DNA position 67, T replaced by G.
Protein change: p.Ser23Ala; replaces serine 23 with alanine.
Molecular consequence: missense variant. On other transcripts: non-coding transcript variant (3), intron variant (2).
Genome position (GRCh38, 1-based): chrX:101,407,837, A>C on the plus strand (T>G on the coding strand, the complement: GLA is on the minus strand). VCF-style: chrX-101407837-A-C. GRCh37 (hg19) VCF-style: chrX-100662825-A-C.
Other names: c.67T>G, p.Ser23Ala (NM_001406747.1, NM_001406748.1, NM_001406749.1); c.301-4099A>C (NM_001199973.2); c.178-4099A>C (NM_001199974.2); short protein forms S23A.
Identifiers: ClinVar variation 4974905 (VCV004974905.1).